The following is an entry in ClinVar:

ClinVar aggregate classification (germline): Uncertain significance (1 of 4 stars; one submission).

Conditions:
Hereditary cancer-predisposing syndrome. Also called: Neoplastic Syndromes, Hereditary; Tumor predisposition; Hereditary neoplastic syndrome; Hereditary Cancer Syndrome. Identifiers: Orphanet 140162, MedGen C0027672, MeSH D009386, MONDO:0015356.

Submission:

Ambry Genetics
Classification: Uncertain significance for Hereditary cancer-predisposing syndrome. Last evaluated: 2022-12-05. Review status: criteria provided, single submitter. Criteria: Ambry Variant Classification Scheme 2023. Collection method: clinical testing. Allele origin: germline.
Comment: The p.I241M variant (also known as c.723C>G), located in coding exon 6 of the POT1 gene, results from a C to G substitution at nucleotide position 723. The isoleucine at codon 241 is replaced by methionine, an amino acid with highly similar properties. This amino acid position is conserved. In addition, this alteration is predicted to be tolerated by in silico analysis. Since supporting evidence is limited at this time, the clinical significance of this alteration remains unclear.

NM_015450.3(POT1):c.723C>G (p.Ile241Met)

Gene: POT1 (protection of telomeres 1; minus strand). Cytogenetic location: 7q31.33.
Variant type: single nucleotide variant.
Coding change: c.723C>G on transcript NM_015450.3 (MANE Select); coding-DNA position 723, C replaced by G.
Protein change: p.Ile241Met; replaces isoleucine 241 with methionine.
Molecular consequence: missense variant. On other transcripts: non-coding transcript variant (3).
Genome position (GRCh38, 1-based): chr7:124,853,118, G>C on the plus strand (C>G on the coding strand, the complement: POT1 is on the minus strand). VCF-style: chr7-124853118-G-C. GRCh37 (hg19) VCF-style: chr7-124493172-G-C.
Other names: c.330C>G, p.Ile110Met (NM_001042594.2); short protein forms I110M, I241M.
Identifiers: ClinVar variation 2450535 (VCV002450535.2), dbSNP rs371599223, ClinGen allele CA369055725.